The following is an entry in ClinVar:

NM_004924.6(ACTN4):c.2616C>T (p.Pro872=)

Gene: ACTN4 (actinin alpha 4; plus strand). Cytogenetic location: 19q13.2.
Variant type: single nucleotide variant.
Coding change: c.2616C>T on transcript NM_004924.6 (MANE Select); coding-DNA position 2616, C replaced by T.
Protein change: p.Pro872=; no amino-acid change (proline 872 retained).
Molecular consequence: synonymous variant.
Genome position (GRCh38, 1-based): chr19:38,729,312, C>T. VCF-style: chr19-38729312-C-T. GRCh37 (hg19) VCF-style: chr19-39219952-C-T.
Other names: c.2601C>T, p.Pro867= (NM_001322033.2); c.2616C>T (NM_004924.5).
Identifiers: ClinVar variation 1653297 (VCV001653297.11), dbSNP rs747925584, ClinGen allele CA9418117.

ClinVar aggregate classification (germline): Likely benign. Review status: criteria provided, multiple submitters, no conflicts (2 of 4 stars). 3 submissions from 3 submitters: Likely benign (2). 1 of the submissions does not count toward it. Last evaluated 2021-12-28.

Conditions:
ACTN4-related disorder. Also called: ACTN4-related condition.
Focal segmental glomerulosclerosis 1 (FSGS1). Identifiers: Orphanet 656, MedGen C4551527, MONDO:0011303, OMIM 603278.

Allele frequency attached by ClinVar (database versions not stated): TOPMed 0.00002; ExAC 0.00003; gnomAD exomes 0.00003.
gnomAD v4.1: 16 of 1,612,892 alleles (0.00099%); highest among the groups gnomAD compares: Admixed American, 0.013%; no homozygotes.

Submissions (3):

Fulgent Genetics
Classification: Likely benign for Focal segmental glomerulosclerosis 1. Last evaluated: 2021-12-28. Review status: criteria provided, single submitter. Criteria: ACMG Guidelines, 2015. Collection method: clinical testing. Allele origin: unknown.

Labcorp Genetics (formerly Invitae), Labcorp
Classification: Likely benign. Last evaluated: 2021-09-20. Review status: criteria provided, single submitter. Criteria: Invitae Variant Classification Sherloc (09022015). Collection method: clinical testing. Allele origin: germline.

PreventionGenetics, part of Exact Sciences
Classification: Likely benign for ACTN4-related condition. Last evaluated: 2022-12-19. Review status: no assertion criteria provided. Collection method: clinical testing. Allele origin: germline. Not counted in ClinVar's aggregate classification.
Comment: This variant is classified as likely benign based on ACMG/AMP sequence variant interpretation guidelines (Richards et al. 2015 PMID: 25741868, with internal and published modifications).